The following is an entry in ClinVar:

NM_017617.5(NOTCH1):c.6986G>C (p.Ser2329Thr)

Gene: NOTCH1 (notch receptor 1; minus strand). Cytogenetic location: 9q34.3.
Variant type: single nucleotide variant.
Coding change: c.6986G>C on transcript NM_017617.5 (MANE Select); coding-DNA position 6986, G replaced by C.
Protein change: p.Ser2329Thr; replaces serine 2329 with threonine.
Molecular consequence: missense variant.
Genome position (GRCh38, 1-based): chr9:136,496,753, C>G on the plus strand (G>C on the coding strand, the complement: NOTCH1 is on the minus strand). VCF-style: chr9-136496753-C-G. GRCh37 (hg19) VCF-style: chr9-139391205-C-G.
Other names: short protein forms S2329T.
Identifiers: ClinVar variation 2743886 (VCV002743886.3), dbSNP rs2540421317, ClinGen allele CA375629423.
Genomic context (GRCh38, chr9:136,496,753, plus strand): 5'-GGGCCTACCATGCCATGCTGCAGGGAGGGGGCCTGTGTGCTCAGGGGGCCTGGTGCCACA[C>G]TCCCCCGCAGAGGGTTGTATTGGTTCGGCACCATGCCGCTCTGCAGCCGGGACAGCCACT-3'
Protein context (NP_060087.3, residues 2319-2339): VPNQYNPLRG[Ser2329Thr]VAPGPLSTQA

ClinVar aggregate classification (germline): Uncertain significance (1 of 4 stars; one submission).

Conditions:
Adams-Oliver syndrome 5 (AOS5). Identifiers: Orphanet 974, MedGen C4014970, MONDO:0014459, OMIM 616028.

Submission:

Labcorp Genetics (formerly Invitae), Labcorp
Classification: Uncertain significance for Adams-Oliver syndrome 5. Last evaluated: 2023-07-16. Review status: criteria provided, single submitter. Criteria: Invitae Variant Classification Sherloc (09022015). Collection method: clinical testing. Allele origin: germline.
Comment: This sequence change replaces serine, which is neutral and polar, with threonine, which is neutral and polar, at codon 2329 of the NOTCH1 protein (p.Ser2329Thr). This variant is not present in population databases (gnomAD no frequency). In summary, the available evidence is currently insufficient to determine the role of this variant in disease. Therefore, it has been classified as a Variant of Uncertain Significance. Advanced modeling of protein sequence and biophysical properties (such as structural, functional, and spatial information, amino acid conservation, physicochemical variation, residue mobility, and thermodynamic stability) performed at Invitae indicates that this missense variant is not expected to disrupt NOTCH1 protein function. This variant has not been reported in the literature in individuals affected with NOTCH1-related conditions.